The following is an entry in ClinVar:

NM_000492.4(CFTR):c.3239A>G (p.Lys1080Arg)

Genes: CFTR (CF transmembrane conductance regulator; plus strand), CFTR-AS2 (CFTR antisense RNA 2; minus strand), LOC111674472 (DNase I hypersensitive sites in introns 16 and 17a of CFTR; plus strand). Cytogenetic location: 7q31.2.
Variant type: single nucleotide variant.
Coding change: c.3239A>G on transcript NM_000492.4 (MANE Select); coding-DNA position 3239, A replaced by G.
Protein change: p.Lys1080Arg; replaces lysine 1080 with arginine.
Molecular consequence: missense variant.
Genome position (GRCh38, 1-based): chr7:117,611,680, A>G. VCF-style: chr7-117611680-A-G. GRCh37 (hg19) VCF-style: chr7-117251734-A-G.
Other names: short protein forms K1080R.
Identifiers: ClinVar variation 1051107 (VCV001051107.4), dbSNP rs564165440, ClinGen allele CA4451412.

ClinVar aggregate classification (germline): Uncertain significance. Review status: criteria provided, multiple submitters, no conflicts (2 of 4 stars). 3 submissions from 3 submitters: Uncertain significance (2). 1 of the submissions does not count toward it. Last evaluated 2025-07-11.

Conditions:
Cystic fibrosis (CF). Also called: MUCOVISCIDOSIS. Identifiers: Orphanet 586, MedGen C0010674, MONDO:0009061, OMIM 219700. Disease mechanism: loss of function.
CFTR-related disorder (CFTR-RD). Also called: CFTR-related disorders; CFTR-related condition. Identifiers: MedGen C5924204, MONDO:7770004.

Allele frequency attached by ClinVar (database versions not stated): ExAC 0.00002; gnomAD exomes 0.00003 and 0.00002; 1000 Genomes Project 0.00020; gnomAD 0.00003; 1000 Genomes Project 30x 0.00031.
gnomAD v4.1: 33 of 1,613,610 alleles (0.002%); highest among the groups gnomAD compares: South Asian, 0.033%; no homozygotes.

Submissions (3):

Women's Health and Genetics/Laboratory Corporation of America, LabCorp
Classification: Uncertain significance. Last evaluated: 2025-07-11. Review status: criteria provided, single submitter. Criteria: LabCorp Variant Classification Summary - May 2015. Collection method: clinical testing. Allele origin: germline.
Comment: Variant summary: CFTR c.3239A>G (p.Lys1080Arg) results in a conservative amino acid change in the encoded protein sequence. Algorithms developed to predict the effect of missense changes on protein structure and function are either unavailable or do not agree on the potential impact of this missense change. Several computational tools predict a significant impact on normal splicing: Four predict the variant creates a cryptic 3' acceptor site. At least one publication reports experimental evidence that this variant affects mRNA splicing, resulting in both the normal transcript as well as one expected to result in a deletion leading to a frameshift (Zhang_2025). The variant allele was found at a frequency of 2.8e-05 in 251092 control chromosomes (gnomAD). To our knowledge, no occurrence of c.3239A>G in individuals affected with Chronic Pancreatitis Risk has been reported. At least one publication reports experimental evidence evaluating an impact on protein function, however, does not allow convincing conclusions about the variant effect (Lee_2014). The following publications have been ascertained in the context of this evaluation (PMID: 24777605, 40182926). ClinVar contains an entry for this variant (Variation ID: 1051107). Based on the evidence outlined above, the variant was classified as VUS-possibly pathogenic.

Labcorp Genetics (formerly Invitae), Labcorp
Classification: Uncertain significance for Cystic fibrosis. Last evaluated: 2021-09-01. Review status: criteria provided, single submitter. Criteria: Invitae Variant Classification Sherloc (09022015). Collection method: clinical testing. Allele origin: germline.
Comment: This sequence change replaces lysine with arginine at codon 1080 of the CFTR protein (p.Lys1080Arg). The lysine residue is moderately conserved and there is a small physicochemical difference between lysine and arginine. This variant is present in population databases (rs564165440, ExAC 0.01%). This variant has not been reported in the literature in individuals affected with CFTR-related conditions. Algorithms developed to predict the effect of missense changes on protein structure and function (SIFT, PolyPhen-2, Align-GVGD) all suggest that this variant is likely to be tolerated. Algorithms developed to predict the effect of sequence changes on RNA splicing suggest that this variant may create or strengthen a splice site. In summary, the available evidence is currently insufficient to determine the role of this variant in disease. Therefore, it has been classified as a Variant of Uncertain Significance.

Natera, Inc.
Classification: Uncertain significance for CFTR-related disorders. Last evaluated: 2018-08-17. Review status: no assertion criteria provided. Collection method: clinical testing. Allele origin: germline. Not counted in ClinVar's aggregate classification.

Literature cited by the submitters: PubMed 24777605 (cited by Women's Health and Genetics/Laboratory Corporation of America, LabCorp); PubMed 40182926 (cited by Women's Health and Genetics/Laboratory Corporation of America, LabCorp).